The following is an entry in ClinVar:

ClinVar aggregate classification (germline): Pathogenic/Likely pathogenic. Review status: criteria provided, multiple submitters, no conflicts (2 of 4 stars). 6 submissions from 6 submitters: Pathogenic (1); Likely pathogenic (3). 2 of the submissions do not count toward it. Last evaluated 2026-09-04.

Conditions:
Hereditary cancer-predisposing syndrome. Also called: Hereditary neoplastic syndrome; Neoplastic Syndromes, Hereditary; Hereditary Cancer Syndrome; Tumor predisposition. Identifiers: Orphanet 140162, MedGen C0027672, MeSH D009386, MONDO:0015356.
Lymphangiomyomatosis (LAM). Also called: Lymphangioleiomyomatosis, somatic; Lymphangioleiomyomatosis. Identifiers: Orphanet 538, MedGen C0751674, MONDO:0011705, OMIM 606690.
Tuberous sclerosis 1 (TSC1). Identifiers: Orphanet 805, MedGen C1854465, MONDO:0008612, OMIM 191100.
Isolated focal cortical dysplasia type II (FCORD2). Also called: CORTICAL DYSPLASIA OF TAYLOR; Focal cortical dysplasia type II. Identifiers: Orphanet 268994, MedGen C1846385, MONDO:0011818, OMIM 607341, HP:0032051.
Tuberous sclerosis syndrome (TSC). Also called: Tuberous Sclerosis Complex; Tuberous sclerosis. Identifiers: Orphanet 805, MedGen C0041341, MONDO:0001734.

Submissions (6):

GeneDx
Classification: Likely pathogenic. Last evaluated: 2026-09-04. Review status: criteria provided, single submitter. Criteria: GeneDx Variant Classification Process June 2021. Collection method: clinical testing. Allele origin: germline.
Comment: Not observed at significant frequency in large population cohorts (gnomAD); In silico analysis supports a deleterious effect on splicing; This variant is associated with the following publications: (PMID: 32555378, 40550458)

Labcorp Genetics (formerly Invitae), Labcorp
Classification: Likely pathogenic for Tuberous sclerosis 1. Last evaluated: 2024-11-18. Review status: criteria provided, single submitter. Criteria: Invitae Variant Classification Sherloc (09022015). Collection method: clinical testing. Allele origin: germline.
Comment: This sequence change falls in intron 16 of the TSC1 gene. It does not directly change the encoded amino acid sequence of the TSC1 protein. RNA analysis indicates that this variant induces altered splicing and may result in an absent or altered protein product. This variant is not present in population databases (gnomAD no frequency). This variant has been observed in individual(s) with tuberous sclerosis complex (internal data). ClinVar contains an entry for this variant (Variation ID: 48882). Studies have shown that this variant results in activation of a cryptic splice site, and produces a non-functional protein and/or introduces a premature termination codon (internal data). In summary, the currently available evidence indicates that the variant is pathogenic, but additional data are needed to prove that conclusively. Therefore, this variant has been classified as Likely Pathogenic.

Ambry Genetics
Classification: Pathogenic for Hereditary cancer-predisposing syndrome. Last evaluated: 2024-06-17. Review status: criteria provided, single submitter. Criteria: Ambry Variant Classification Scheme 2023. Collection method: clinical testing. Allele origin: germline.
Comment: The c.2042-5A>G intronic pathogenic mutation results from an A to G substitution 5 nucleotides upstream from coding exon 15 in the TSC1 gene. This nucleotide position is highly conserved in available vertebrate species. This variant has been observed in individuals with a personal and/or family history that is consistent with tuberous sclerosis complex (Ambry internal data; Rosengren T et al. Sci Rep, 2020 Jun;10:9909; External communication). In silico splice site analysis predicts that this alteration will weaken the native splice acceptor site and will result in the creation or strengthening of a novel splice acceptor site. RNA studies have demonstrated that this alteration results in abnormal splicing in the set of samples tested (Ambry internal data). Based on the supporting evidence, this variant is interpreted as a disease-causing mutation.

Juno Genomics, Hangzhou Juno Genomics, Inc
Classification: Likely pathogenic for Isolated focal cortical dysplasia type II; Lymphangiomyomatosis; Tuberous sclerosis 1. Review status: criteria provided, single submitter. Criteria: ACMG Guidelines, 2015. Collection method: clinical testing. Allele origin: germline. Affected: yes.
Comment: Absent from controls (or at extremely low frequency if recessive) in Genome Aggregation Database.;Null variant in a gene where loss of function (LOF) is a known mechanism of disease.

Tuberous sclerosis database (TSC1)
No classification provided. Condition: TSC. Review status: no classification provided. Criteria: Tuberous Sclerosis Database Assertion Criteria 2015. Collection method: curation. Allele origin: germline. Affected: yes. Not counted in ClinVar's aggregate classification.

Genome-Nilou Lab
Classification: Uncertain significance for Tuberous sclerosis 1. Last evaluated: 2021-11-07. Review status: flagged submission. Criteria: ACMG Guidelines, 2015. Collection method: clinical testing. Allele origin: germline. Affected: no. Not counted in ClinVar's aggregate classification.
ClinVar note: Reason: Claim with insufficient supporting evidence

Literature cited by the submitters: PubMed 32555378 (cited by Ambry Genetics).

NM_000368.5(TSC1):c.2042-5A>G

Gene: TSC1 (TSC complex subunit 1; minus strand). Cytogenetic location: 9q34.13.
Variant type: single nucleotide variant.
Coding change: c.2042-5A>G on transcript NM_000368.5 (MANE Select); 5 bases into the intron before coding-DNA position 2042, A replaced by G.
Molecular consequence: intron variant.
Genome position (GRCh38, 1-based): chr9:132,903,822, T>C on the plus strand (A>G on the coding strand, the complement: TSC1 is on the minus strand). VCF-style: chr9-132903822-T-C. GRCh37 (hg19) VCF-style: chr9-135779209-T-C.
Other names: c.1679-5A>G (NM_001362177.2); c.1889-5A>G (NM_001162427.2); c.2039-5A>G (NM_001162426.2).
Identifiers: ClinVar variation 48882 (VCV000048882.21), dbSNP rs118203627, ClinGen allele CA005839.